The following is an entry in ClinVar:

ClinVar aggregate classification (germline): Uncertain significance. Review status: criteria provided, multiple submitters, no conflicts (2 of 4 stars). 2 submissions from 2 submitters: Uncertain significance (2). Last evaluated 2025-06-18.

Conditions:
Inborn genetic diseases. Identifiers: MedGen C0950123, MeSH D030342.
Intellectual developmental disorder with autism and macrocephaly. Also called: Autism, susceptibility to, 18; CHD8-Related Neurodevelopmental Disorder with Overgrowth. Identifiers: Orphanet 642675, MedGen C3554373, MONDO:0014017, OMIM 615032.

Allele frequency attached by ClinVar (database versions not stated): gnomAD exomes below 0.00001; gnomAD 0.00001; TOPMed 0.00002.
gnomAD v4.1: 4 of 1,596,428 alleles (0.00025%); highest among the groups gnomAD compares: Admixed American, 0.0018%; no homozygotes.

Submissions (2):

Ambry Genetics
Classification: Uncertain significance for Inborn genetic diseases. Last evaluated: 2025-06-18. Review status: criteria provided, single submitter. Criteria: Ambry Variant Classification Scheme 2023. Collection method: clinical testing. Allele origin: germline.

New York Genome Center
Classification: Uncertain significance for Intellectual developmental disorder with autism and macrocephaly. Last evaluated: 2021-04-16. Review status: criteria provided, single submitter. Criteria: NYGC Assertion Criteria 2020. Collection method: clinical testing. Allele origin: inherited. Observed: 1 heterozygote. Study: CSER-NYCKidSeq.
Comment: The inherited heterozygous c.3331G>C (p.Glu1111Gln) variant identified in the CHD8 gene has not been reported in affected individuals in the literature. The variant has 0.00001315 allele frequency in the gnomAD(v3) database (2 out of 152,128 heterozygous alleles, no homozygotes) suggesting it is not a common benign variant in the populations represented in that database. The variant affects an evolutionarily conserved residue and is predicted deleterious by multiple in silico prediction tools. Given the lack of compelling evidence for its pathogenicity, the inherited heterozygous c.3331G>C (p.Glu1111Gln) variant identified in the CHD8 gene is reported as a variant of uncertain significance.

NM_001170629.2(CHD8):c.3331G>C (p.Glu1111Gln)

Gene: CHD8 (chromodomain helicase DNA binding protein 8; minus strand). Cytogenetic location: 14q11.2.
Variant type: single nucleotide variant.
Coding change: c.3331G>C on transcript NM_001170629.2 (MANE Select); coding-DNA position 3331, G replaced by C.
Protein change: p.Glu1111Gln; replaces glutamic acid 1111 with glutamine.
Molecular consequence: missense variant.
Genome position (GRCh38, 1-based): chr14:21,403,640, C>G on the plus strand (G>C on the coding strand, the complement: CHD8 is on the minus strand). VCF-style: chr14-21403640-C-G. GRCh37 (hg19) VCF-style: chr14-21871799-C-G.
Other names: c.2494G>C, p.Glu832Gln (NM_020920.4); short protein forms E1111Q, E832Q.
Identifiers: ClinVar variation 1342452 (VCV001342452.2), dbSNP rs970353812, ClinGen allele CA257602893.